The following is an entry in ClinVar:

NM_003482.4(KMT2D):c.10827A>C (p.Gln3609His)

Gene: KMT2D (lysine methyltransferase 2D; minus strand). Cytogenetic location: 12q13.12.
Variant type: single nucleotide variant.
Coding change: c.10827A>C on transcript NM_003482.4 (MANE Select); coding-DNA position 10827, A replaced by C.
Protein change: p.Gln3609His; replaces glutamine 3609 with histidine.
Molecular consequence: missense variant.
Genome position (GRCh38, 1-based): chr12:49,033,878, T>G on the plus strand (A>C on the coding strand, the complement: KMT2D is on the minus strand). VCF-style: chr12-49033878-T-G. GRCh37 (hg19) VCF-style: chr12-49427661-T-G.
Other names: short protein forms Q3609H.
Identifiers: ClinVar variation 4799128 (VCV004799128.1).

ClinVar aggregate classification (germline): Uncertain significance (1 of 4 stars; one submission).

Conditions:
Kabuki syndrome. Also called: NIIKAWA-KUROKI SYNDROME; Kabuki make-up syndrome. Identifiers: Orphanet 2322, MedGen C0796004, MONDO:0016512.

gnomAD v4.1: 1 of 1,553,748 alleles (0.000064%); highest among the groups gnomAD compares: South Asian, 0.0012%; no homozygotes.

Submission:

Labcorp Genetics (formerly Invitae), Labcorp
Classification: Uncertain significance for Kabuki syndrome. Last evaluated: 2025-10-25. Review status: criteria provided, single submitter. Criteria: Invitae Variant Classification Sherloc (09022015). Collection method: clinical testing. Allele origin: germline.
Comment: This sequence change replaces glutamine, which is neutral and polar, with histidine, which is basic and polar, at codon 3609 of the KMT2D protein (p.Gln3609His). This variant is not present in population databases (gnomAD no frequency). This variant has not been reported in the literature in individuals affected with KMT2D-related conditions. Invitae Evidence Modeling of protein sequence and biophysical properties (such as structural, functional, and spatial information, amino acid conservation, physicochemical variation, residue mobility, and thermodynamic stability) indicates that this missense variant is not expected to disrupt KMT2D protein function with a negative predictive value of 95%. In summary, the available evidence is currently insufficient to determine the role of this variant in disease. Therefore, it has been classified as a Variant of Uncertain Significance.